The following is an entry in ClinVar:

ClinVar aggregate classification (germline): Uncertain significance (1 of 4 stars; one submission).

Conditions:
Cardiovascular phenotype. Identifiers: MedGen CN230736.

Submission:

Ambry Genetics
Classification: Uncertain significance for Cardiovascular phenotype. Last evaluated: 2026-01-25. Review status: criteria provided, single submitter. Criteria: Ambry Variant Classification Scheme 2023. Collection method: clinical testing. Allele origin: germline.
Comment: The p.I1009V variant (also known as c.3025A>G), located in coding exon 22 of the LAMA4 gene, results from an A to G substitution at nucleotide position 3025. The isoleucine at codon 1009 is replaced by valine, an amino acid with highly similar properties. This amino acid position is conserved. In addition, this alteration is predicted to be tolerated by in silico analysis. Based on the available evidence, the clinical significance of this variant remains unclear.

NM_001105206.3(LAMA4):c.3046A>G (p.Ile1016Val)

Gene: LAMA4 (laminin subunit alpha 4; minus strand). Cytogenetic location: 6q21.
Variant type: single nucleotide variant.
Coding change: c.3046A>G on transcript NM_001105206.3 (MANE Select); coding-DNA position 3046, A replaced by G.
Protein change: p.Ile1016Val; replaces isoleucine 1016 with valine.
Molecular consequence: missense variant.
Genome position (GRCh38, 1-based): chr6:112,139,816, T>C on the plus strand (A>G on the coding strand, the complement: LAMA4 is on the minus strand). VCF-style: chr6-112139816-T-C. GRCh37 (hg19) VCF-style: chr6-112461018-T-C.
Other names: c.3025A>G, p.Ile1009Val (NM_001105207.3, NM_002290.5); short protein forms I1009V, I1016V.
Identifiers: ClinVar variation 4844124 (VCV004844124.1).